The following is an entry in ClinVar:

ClinVar aggregate classification (germline): Conflicting classifications of pathogenicity. Review status: criteria provided, conflicting classifications (1 of 4 stars). 5 submissions from 5 submitters: Uncertain significance (3); Likely benign (1). 1 of the submissions does not count toward it. Last evaluated 2026-09-16.

Conditions:
Nemaline myopathy 2 (NEM2). Also called: Nemaline myopathy 2, autosomal recessive. Identifiers: MedGen C1850569, MONDO:0009725, OMIM 256030.
NEB-related disorder. Also called: NEB-related condition; NEB-Related Disorders.
Inborn genetic diseases. Identifiers: MedGen C0950123, MeSH D030342.

Allele frequency attached by ClinVar (database versions not stated): ExAC 0.00002; gnomAD exomes 0.00003; gnomAD 0.00011 and 0.00015; 1000 Genomes Project 30x 0.00016; ESP Exome Variant Server 0.00017; 1000 Genomes Project 0.00020; TOPMed 0.00034.
gnomAD v4.1: 34 of 1,612,790 alleles (0.0021%); highest among the groups gnomAD compares: Admixed American, 0.037%; no homozygotes.

Submissions (5):

PreventionGenetics, part of Exact Sciences
Classification: Uncertain significance for NEB-related condition. Last evaluated: 2026-09-16. Review status: criteria provided, single submitter. Criteria: ACMG Guidelines, 2015. Collection method: clinical testing. Allele origin: germline.
Comment: The NEB c.22640C>T variant is predicted to result in the amino acid substitution p.Pro7547Leu. To our knowledge, this variant has not been reported in the literature. This variant is reported in 0.011% of alleles in individuals of Latino descent in gnomAD and has conflicting interpretations in ClinVar ranging from likely benign to uncertain (Variation ID: 842071). At this time, the clinical significance of this variant is uncertain due to the absence of conclusive functional and genetic evidence.

Labcorp Genetics (formerly Invitae), Labcorp
Classification: Likely benign for Nemaline myopathy 2. Last evaluated: 2026-01-14. Review status: criteria provided, single submitter. Criteria: Invitae Variant Classification Sherloc (09022015). Collection method: clinical testing. Allele origin: germline.

Ambry Genetics
Classification: Uncertain significance for Inborn genetic diseases. Last evaluated: 2024-11-19. Review status: criteria provided, single submitter. Criteria: Ambry Variant Classification Scheme 2023. Collection method: clinical testing. Allele origin: germline.

Revvity Omics, Revvity
Classification: Uncertain significance. Last evaluated: 2020-03-11. Review status: criteria provided, single submitter. Criteria: ACMG Guidelines, 2015. Collection method: clinical testing. Allele origin: germline.

Natera, Inc.
Classification: Uncertain significance for Nemaline myopathy type 2. Last evaluated: 2020-09-16. Review status: no assertion criteria provided. Collection method: clinical testing. Allele origin: germline. Not counted in ClinVar's aggregate classification.

NM_001164508.2(NEB):c.22535C>T (p.Pro7512Leu)

Genes: NEB (nebulin; minus strand), RIF1 (replication timing regulatory factor 1; plus strand). Cytogenetic location: 2q23.3.
Variant type: single nucleotide variant.
Coding change: c.22535C>T on transcript NM_001164508.2 (MANE Select); coding-DNA position 22535, C replaced by T.
Protein change: p.Pro7512Leu; replaces proline 7512 with leucine.
Molecular consequence: missense variant.
Genome position (GRCh38, 1-based): chr2:151,519,713, G>A on the plus strand (C>T on the coding strand, the complement: NEB is on the minus strand). VCF-style: chr2-151519713-G-A. GRCh37 (hg19) VCF-style: chr2-152376227-G-A.
Other names: c.17432C>T (NM_004543.4); c.22535C>T, p.Pro7512Leu (NM_001164507.2); c.22640C>T, p.Pro7547Leu (NM_001271208.2); c.17432C>T, p.Pro5811Leu (NM_004543.5); short protein forms P7547L, P5811L, P7512L.
Identifiers: ClinVar variation 842071 (VCV000842071.17), dbSNP rs376609115, ClinGen allele CA1906612.